The following is an entry in ClinVar:

NM_003954.5(MAP3K14):c.90G>A (p.Pro30=)

Gene: MAP3K14 (mitogen-activated protein kinase kinase kinase 14; minus strand). Cytogenetic location: 17q21.31.
Variant type: single nucleotide variant.
Coding change: c.90G>A on transcript NM_003954.5 (MANE Select); coding-DNA position 90, G replaced by A.
Protein change: p.Pro30=; no amino-acid change (proline 30 retained).
Molecular consequence: synonymous variant.
Genome position (GRCh38, 1-based): chr17:45,290,656, C>T on the plus strand (G>A on the coding strand, the complement: MAP3K14 is on the minus strand). VCF-style: chr17-45290656-C-T. GRCh37 (hg19) VCF-style: chr17-43368022-C-T.
Identifiers: ClinVar variation 2909910 (VCV002909910.4), dbSNP rs756983132, ClinGen allele CA8614452.

ClinVar aggregate classification (germline): Likely benign. Review status: criteria provided, multiple submitters, no conflicts (2 of 4 stars). 2 submissions from 2 submitters: Likely benign (2). Last evaluated 2026-07-01.

Conditions:
NIK deficiency. Also called: Primary immunodeficiency with multifaceted aberrant lymphoid immunity. Identifiers: Orphanet 447731, MedGen C5680065, MONDO:0018642.

Allele frequency attached by ClinVar (database versions not stated): gnomAD 0.00002; ExAC 0.00003.
gnomAD v4.1: 21 of 1,613,322 alleles (0.0013%); highest among the groups gnomAD compares: African/African-American, 0.0027%; no homozygotes.

Submissions (2):

CeGaT Center for Human Genetics Tuebingen
Classification: Likely benign. Last evaluated: 2026-07-01. Review status: criteria provided, single submitter. Criteria: CeGaT Center For Human Genetics Tuebingen Variant Classification Criteria Version 2. Collection method: clinical testing. Allele origin: germline. Affected: yes. Observed: 1 variant allele.
Comment: MAP3K14: BP4, BP7

Labcorp Genetics (formerly Invitae), Labcorp
Classification: Likely benign for NIK deficiency. Last evaluated: 2025-03-18. Review status: criteria provided, single submitter. Criteria: Invitae Variant Classification Sherloc (09022015). Collection method: clinical testing. Allele origin: germline.